The following is an entry in ClinVar:

ClinVar aggregate classification (germline): Uncertain significance (1 of 4 stars; one submission).

Conditions:
RYR1-related disorder. Also called: RYR1-related disorders; RYR1-related condition. Identifiers: MedGen CN239331.

Allele frequency attached by ClinVar (database versions not stated): TOPMed 0.00001; gnomAD exomes below 0.00001; gnomAD 0.00001.
gnomAD v4.1: 2 of 1,613,922 alleles (0.00012%); highest among the groups gnomAD compares: Non-Finnish European, 0.00017%; no homozygotes.

Submission:

Labcorp Genetics (formerly Invitae), Labcorp
Classification: Uncertain significance for RYR1-related disorder. Last evaluated: 2018-11-12. Review status: criteria provided, single submitter. Criteria: Invitae Variant Classification Sherloc (09022015). Collection method: clinical testing. Allele origin: germline.
Comment: This variant has not been reported in the literature in individuals with RYR1-related disease. This variant is not present in population databases (ExAC no frequency). This sequence change replaces glutamine with histidine at codon 189 of the RYR1 protein (p.Gln189His). The glutamine residue is highly conserved and there is a small physicochemical difference between glutamine and histidine. Algorithms developed to predict the effect of missense changes on protein structure and function are either unavailable or do not agree on the potential impact of this missense change (SIFT: "Deleterious"; PolyPhen-2: "Possibly Damaging"; Align-GVGD: "Class C0"). In summary, the available evidence is currently insufficient to determine the role of this variant in disease. Therefore, it has been classified as a Variant of Uncertain Significance. This missense change is located in a region of the RYR1 protein where a significant number of previously reported RYR1 missense mutations are found (PMID: 16084090). These observations suggest that a previously unreported missense substitution within this region may affect protein function, but experiments have not been done to test this possibility.

Literature cited by the submitters: PubMed 16084090.

NM_000540.3(RYR1):c.567G>C (p.Gln189His)

Gene: RYR1 (ryanodine receptor 1; plus strand). Cytogenetic location: 19q13.2.
Variant type: single nucleotide variant.
Coding change: c.567G>C on transcript NM_000540.3 (MANE Select); coding-DNA position 567, G replaced by C.
Protein change: p.Gln189His; replaces glutamine 189 with histidine.
Molecular consequence: missense variant.
Genome position (GRCh38, 1-based): chr19:38,444,613, G>C. VCF-style: chr19-38444613-G-C. GRCh37 (hg19) VCF-style: chr19-38935253-G-C.
Other names: c.567G>C, p.Gln189His (NM_001042723.2); short protein forms Q189H.
Identifiers: ClinVar variation 650011 (VCV000650011.8), dbSNP rs1249117526, ClinGen allele CA405678316.